The following is an entry in ClinVar:

NM_000188.3(HK1):c.226+2T>A

Gene: HK1 (hexokinase 1; plus strand). Cytogenetic location: 10q22.1.
Variant type: single nucleotide variant.
Coding change: c.226+2T>A on transcript NM_000188.3 (MANE Select); the canonical splice donor site of the intron after coding-DNA position 226, T replaced by A.
Molecular consequence: splice donor variant.
Genome position (GRCh38, 1-based): chr10:69,343,991, T>A. VCF-style: chr10-69343991-T-A. GRCh37 (hg19) VCF-style: chr10-71103747-T-A.
Other names: c.226+2T>A (NM_001322367.1); c.190+2T>A (NM_033500.2); c.331+2T>A (NM_001322365.2); c.238+2T>A (NM_033498.3, NM_033497.3, NM_001322364.2 and 1 more transcripts); c.223+2T>A (NM_033496.3); c.142+2T>A (NM_001322366.1).
Identifiers: ClinVar variation 2024756 (VCV002024756.4), dbSNP rs2540244684, ClinGen allele CA376907684.

ClinVar aggregate classification (germline): Likely pathogenic (1 of 4 stars; one submission).

Submission:

Labcorp Genetics (formerly Invitae), Labcorp
Classification: Likely pathogenic. Last evaluated: 2022-08-19. Review status: criteria provided, single submitter. Criteria: Invitae Variant Classification Sherloc (09022015). Collection method: clinical testing. Allele origin: germline.
Comment: In summary, the currently available evidence indicates that the variant is pathogenic, but additional data are needed to prove that conclusively. Therefore, this variant has been classified as Likely Pathogenic. This sequence change affects a donor splice site in intron 2 of the HK1 gene. It is expected to disrupt RNA splicing. Variants that disrupt the donor or acceptor splice site typically lead to a loss of protein function (PMID: 16199547), and loss-of-function variants in HK1 are known to be pathogenic (PMID: 11783948, 12211198, 31119733). This variant is not present in population databases (gnomAD no frequency). This variant has not been reported in the literature in individuals affected with HK1-related conditions. Algorithms developed to predict the effect of sequence changes on RNA splicing suggest that this variant may disrupt the consensus splice site.

Literature cited by the submitters: PubMed 16199547; PubMed 11783948; PubMed 12211198; PubMed 31119733.